The following is an entry in ClinVar:

NM_000094.4(COL7A1):c.6041A>C (p.Gln2014Pro)

Gene: COL7A1 (collagen type VII alpha 1 chain; minus strand). Cytogenetic location: 3p21.31.
Variant type: single nucleotide variant.
Coding change: c.6041A>C on transcript NM_000094.4 (MANE Select); coding-DNA position 6041, A replaced by C.
Protein change: p.Gln2014Pro; replaces glutamine 2014 with proline.
Molecular consequence: missense variant.
Genome position (GRCh38, 1-based): chr3:48,575,478, T>G on the plus strand (A>C on the coding strand, the complement: COL7A1 is on the minus strand). VCF-style: chr3-48575478-T-G. GRCh37 (hg19) VCF-style: chr3-48612911-T-G.
Other names: short protein forms Q2014P.
Identifiers: ClinVar variation 1428270 (VCV001428270.3), dbSNP rs755954867, ClinGen allele CA2379207.

ClinVar aggregate classification (germline): Uncertain significance (1 of 4 stars; one submission).

Allele frequency attached by ClinVar (database versions not stated): gnomAD 0.00001; gnomAD exomes 0.00001; ExAC 0.00002.
gnomAD v4.1: 17 of 1,611,768 alleles (0.0011%); highest among the groups gnomAD compares: Non-Finnish European, 0.0014%; no homozygotes.

Submission:

Labcorp Genetics (formerly Invitae), Labcorp
Classification: Uncertain significance. Last evaluated: 2021-10-14. Review status: criteria provided, single submitter. Criteria: Invitae Variant Classification Sherloc (09022015). Collection method: clinical testing. Allele origin: germline.
Comment: This sequence change replaces glutamine with proline at codon 2014 of the COL7A1 protein (p.Gln2014Pro). The glutamine residue is highly conserved and there is a moderate physicochemical difference between glutamine and proline. This variant is present in population databases (rs755954867, ExAC 0.003%). This variant has not been reported in the literature in individuals affected with COL7A1-related conditions. Advanced modeling of protein sequence and biophysical properties (such as structural, functional, and spatial information, amino acid conservation, physicochemical variation, residue mobility, and thermodynamic stability) performed at Invitae indicates that this missense variant is not expected to disrupt COL7A1 protein function. In summary, the available evidence is currently insufficient to determine the role of this variant in disease. Therefore, it has been classified as a Variant of Uncertain Significance.